The following is an entry in ClinVar:

ClinVar aggregate classification (germline): Uncertain significance (1 of 4 stars; one submission).

Conditions:
Multiple endocrine neoplasia, type 2 (MEN2). Identifiers: Orphanet 653, MedGen C4048306, MONDO:0019003. Disease mechanism: gain of function.

Submission:

Labcorp Genetics (formerly Invitae), Labcorp
Classification: Uncertain significance for Multiple endocrine neoplasia, type 2. Last evaluated: 2024-07-26. Review status: criteria provided, single submitter. Criteria: Invitae Variant Classification Sherloc (09022015). Collection method: clinical testing. Allele origin: germline.
Comment: This sequence change falls in intron 13 of the RET gene. It does not directly change the encoded amino acid sequence of the RET protein. It affects a nucleotide within the consensus splice site. This variant is not present in population databases (gnomAD no frequency). This variant has not been reported in the literature in individuals affected with RET-related conditions. ClinVar contains an entry for this variant (Variation ID: 854880). Variants that disrupt the consensus splice site are a relatively common cause of aberrant splicing (PMID: 17576681, 9536098). Algorithms developed to predict the effect of sequence changes on RNA splicing suggest that this variant is not likely to affect RNA splicing. In summary, the available evidence is currently insufficient to determine the role of this variant in disease. Therefore, it has been classified as a Variant of Uncertain Significance.

Literature cited by the submitters: PubMed 17576681; PubMed 9536098.

NM_020975.6(RET):c.2392+6G>A

Gene: RET (ret proto-oncogene; plus strand). Cytogenetic location: 10q11.21.
Variant type: single nucleotide variant.
Coding change: c.2392+6G>A on transcript NM_020975.6 (MANE Select); 6 bases into the intron after coding-DNA position 2392, G replaced by A.
Molecular consequence: intron variant.
Genome position (GRCh38, 1-based): chr10:43,118,486, G>A. VCF-style: chr10-43118486-G-A. GRCh37 (hg19) VCF-style: chr10-43613934-G-A.
Other names: c.2392+6G>A (NM_020630.7, NM_001406743.1, NM_001406744.1 and 2 more transcripts); c.2257+6G>A (NM_001406765.1, NM_001406763.1); c.1996+6G>A (NM_001406772.1, NM_001406769.1); c.1954+6G>A (NM_001406773.1, NM_001406771.1); c.1495+6G>A (NM_001406782.1, NM_001406780.1, NM_001406779.1 and 1 more transcripts); c.1360+6G>A (NM_001406787.1); c.1375+6G>A (NM_001406785.1); c.2263+6G>A (NM_001406764.1, NM_001406762.1, NM_001406761.1); and 10 more.
Identifiers: ClinVar variation 854880 (VCV000854880.17), dbSNP rs1554819413, ClinGen allele CA916081578.